The following is an entry in ClinVar:

ClinVar aggregate classification (germline): Uncertain significance. Review status: criteria provided, multiple submitters, no conflicts (2 of 4 stars). 2 submissions from 2 submitters: Uncertain significance (2). Last evaluated 2024-04-29.

Conditions:
Charcot-Marie-Tooth disease axonal type 2O. Also called: CHARCOT-MARIE-TOOTH NEUROPATHY, AXONAL, TYPE 2O; CHARCOT-MARIE-TOOTH DISEASE, AXONAL, AUTOSOMAL DOMINANT, TYPE 2O; Charcot-Marie-Tooth Neuropathy Type 2O; Charcot-Marie-Tooth disease, axonal, type 20. Identifiers: Orphanet 284232, MedGen C3280220, MONDO:0013644, OMIM 614228.

Submissions (2):

Labcorp Genetics (formerly Invitae), Labcorp
Classification: Uncertain significance for Charcot-Marie-Tooth disease axonal type 2O. Last evaluated: 2024-04-29. Review status: criteria provided, single submitter. Criteria: Invitae Variant Classification Sherloc (09022015). Collection method: clinical testing. Allele origin: germline.
Comment: This sequence change replaces valine, which is neutral and non-polar, with leucine, which is neutral and non-polar, at codon 124 of the DYNC1H1 protein (p.Val124Leu). This variant is not present in population databases (gnomAD no frequency). This variant has not been reported in the literature in individuals affected with DYNC1H1-related conditions. ClinVar contains an entry for this variant (Variation ID: 916162). Advanced modeling of protein sequence and biophysical properties (such as structural, functional, and spatial information, amino acid conservation, physicochemical variation, residue mobility, and thermodynamic stability) performed at Invitae indicates that this missense variant is not expected to disrupt DYNC1H1 protein function with a negative predictive value of 95%. In summary, the available evidence is currently insufficient to determine the role of this variant in disease. Therefore, it has been classified as a Variant of Uncertain Significance.

CeGaT Center for Human Genetics Tuebingen
Classification: Uncertain significance. Last evaluated: 2020-02-01. Review status: criteria provided, single submitter. Criteria: CeGaT Center For Human Genetics Tuebingen Variant Classification Criteria Version 2. Collection method: clinical testing. Allele origin: germline. Affected: yes. Observed: 1 variant allele.

NM_001376.5(DYNC1H1):c.370G>C (p.Val124Leu)

Gene: DYNC1H1 (dynein cytoplasmic 1 heavy chain 1; plus strand). Cytogenetic location: 14q32.31.
Variant type: single nucleotide variant.
Coding change: c.370G>C on transcript NM_001376.5 (MANE Select); coding-DNA position 370, G replaced by C.
Protein change: p.Val124Leu; replaces valine 124 with leucine.
Molecular consequence: missense variant.
Genome position (GRCh38, 1-based): chr14:101,979,344, G>C. VCF-style: chr14-101979344-G-C. GRCh37 (hg19) VCF-style: chr14-102445681-G-C.
Other names: short protein forms V124L.
Identifiers: ClinVar variation 916162 (VCV000916162.42), dbSNP rs749548033, ClinGen allele CA391007352.
Genomic context (GRCh38, chr14:101,979,344, plus strand): 5'-ACTTTTCTAATTTCTTGTTTTATTTTTCTTTTTAGCTTGGCATTCATTAAACGTACTCCC[G>C]TGATTGATGCAGATAAACCCGTGTCTTCTCAGCTCCGGGTCCTTACACTCAGTGAAGACT-3'
Protein context (NP_001367.2, residues 114-134): NSLAFIKRTP[Val124Leu]IDADKPVSSQ